The following is an entry in ClinVar:

ClinVar aggregate classification (germline): Uncertain significance. Review status: criteria provided, multiple submitters, no conflicts (2 of 4 stars). 2 submissions from 2 submitters: Uncertain significance (2). Last evaluated 2025-11-05.

Conditions:
Inborn genetic diseases. Identifiers: MedGen C0950123, MeSH D030342.

gnomAD v4.1: 27 of 1,613,328 alleles (0.0017%); highest among the groups gnomAD compares: Non-Finnish European, 0.0022%; no homozygotes.

Submissions (2):

Ambry Genetics
Classification: Uncertain significance for Inborn genetic diseases. Last evaluated: 2025-11-05. Review status: criteria provided, single submitter. Criteria: Ambry Variant Classification Scheme 2023. Collection method: clinical testing. Allele origin: germline.
Comment: The c.2504C>T (p.S835F) alteration is located in exon 17 (coding exon 17) of the DNA2 gene. This alteration results from a C to T substitution at nucleotide position 2504, causing the serine (S) at amino acid position 835 to be replaced by a phenylalanine (F). Based on data from gnomAD, the T allele has an overall frequency of <0.001% (1/248618) total alleles studied. The highest observed frequency was 0.001% (1/112790) of European (non-Finnish) alleles. Based on insufficient or conflicting evidence, the clinical significance of this alteration remains unclear.

Labcorp Genetics (formerly Invitae), Labcorp
Classification: Uncertain significance. Last evaluated: 2024-06-26. Review status: criteria provided, single submitter. Criteria: Invitae Variant Classification Sherloc (09022015). Collection method: clinical testing. Allele origin: germline.
Comment: This sequence change replaces serine, which is neutral and polar, with phenylalanine, which is neutral and non-polar, at codon 835 of the DNA2 protein (p.Ser835Phe). This variant is present in population databases (rs372971290, gnomAD 0.0009%). This variant has not been reported in the literature in individuals affected with DNA2-related conditions. Advanced modeling of protein sequence and biophysical properties (such as structural, functional, and spatial information, amino acid conservation, physicochemical variation, residue mobility, and thermodynamic stability) performed at Invitae indicates that this missense variant is expected to disrupt DNA2 protein function with a positive predictive value of 80%. In summary, the available evidence is currently insufficient to determine the role of this variant in disease. Therefore, it has been classified as a Variant of Uncertain Significance.

NM_001080449.3(DNA2):c.2504C>T (p.Ser835Phe)

Gene: DNA2 (DNA replication helicase/nuclease 2; minus strand). Cytogenetic location: 10q21.3.
Variant type: single nucleotide variant.
Coding change: c.2504C>T on transcript NM_001080449.3 (MANE Select); coding-DNA position 2504, C replaced by T.
Protein change: p.Ser835Phe; replaces serine 835 with phenylalanine.
Molecular consequence: missense variant. On other transcripts: non-coding transcript variant (1).
Genome position (GRCh38, 1-based): chr10:68,422,418, G>A on the plus strand (C>T on the coding strand, the complement: DNA2 is on the minus strand). VCF-style: chr10-68422418-G-A. GRCh37 (hg19) VCF-style: chr10-70182175-G-A.
Other names: c.2504C>T (NM_001080449.2); short protein forms S835F.
Identifiers: ClinVar variation 3620640 (VCV003620640.3).